The following is an entry in ClinVar:

ClinVar aggregate classification (germline): Likely benign (1 of 4 stars; one submission).

gnomAD v4.1: 1 of 1,614,084 alleles (0.000062%); no homozygotes.

Submission:

CeGaT Center for Human Genetics Tuebingen
Classification: Likely benign. Last evaluated: 2025-03-01. Review status: criteria provided, single submitter. Criteria: CeGaT Center For Human Genetics Tuebingen Variant Classification Criteria Version 2. Collection method: clinical testing. Allele origin: germline. Affected: yes. Observed: 1 variant allele.
Comment: FGFR2: BP4, BP7

NM_000141.5(FGFR2):c.1332G>A (p.Leu444=)

Gene: FGFR2 (fibroblast growth factor receptor 2; minus strand). Cytogenetic location: 10q26.13.
Variant type: single nucleotide variant.
Coding change: c.1332G>A on transcript NM_000141.5 (MANE Select); coding-DNA position 1332, G replaced by A.
Protein change: p.Leu444=; no amino-acid change (leucine 444 retained).
Molecular consequence: synonymous variant. On other transcripts: non-coding transcript variant (1).
Genome position (GRCh38, 1-based): chr10:121,503,897, C>T on the plus strand (G>A on the coding strand, the complement: FGFR2 is on the minus strand). VCF-style: chr10-121503897-C-T. GRCh37 (hg19) VCF-style: chr10-123263411-C-T.
Other names: c.1335G>A, p.Leu445= (NM_001144913.1, NM_022970.4); c.996G>A, p.Leu332= (NM_001144914.1); c.1065G>A, p.Leu355= (NM_001144915.2, NM_023029.3); c.987G>A, p.Leu329= (NM_001144916.2); c.984G>A, p.Leu328= (NM_001144917.2); c.981G>A, p.Leu327= (NM_001144918.2); c.1068G>A, p.Leu356= (NM_001144919.2); c.648G>A, p.Leu216= (NM_001320654.2); and 1 more.
Identifiers: ClinVar variation 3778306 (VCV003778306.7).
Genomic context (GRCh38, chr10:121,503,897, plus strand): 5'-GGAGACCCCTGCCAGCATGGGGGTGTCTGCCGTTGAAGAGAGGCGTGTTGTTATCCTCAC[C>T]AGCGGGGTGTTGGAGTTCATGGAGGAGCTGGACTCAGCCGAAACCTGGATACAAAATGCA-3'
Protein context (NP_000132.3, residues 434-454): SSSSMNSNTP[Leu444=]VRITTRLSST